The following is an entry in ClinVar:

NM_006180.6(NTRK2):c.1533A>T (p.Glu511Asp)

Gene: NTRK2 (neurotrophic receptor tyrosine kinase 2; plus strand). Cytogenetic location: 9q21.33.
Variant type: single nucleotide variant.
Coding change: c.1533A>T on transcript NM_006180.6 (MANE Select); coding-DNA position 1533, A replaced by T.
Protein change: p.Glu511Asp; replaces glutamic acid 511 with aspartic acid.
Molecular consequence: missense variant.
Genome position (GRCh38, 1-based): chr9:84,867,331, A>T. VCF-style: chr9-84867331-A-T. GRCh37 (hg19) VCF-style: chr9-87482246-A-T.
Other names: c.1485A>T, p.Glu495Asp (NM_001018064.3, NM_001018066.3, NM_001369532.1 and 2 more transcripts); c.1533A>T, p.Glu511Asp (NM_001018065.2, NM_001369537.1); c.1449A>T, p.Glu483Asp (NM_001369534.1); c.1017A>T, p.Glu339Asp (NM_001369535.1); c.1065A>T, p.Glu355Asp (NM_001369536.1); short protein forms E339D, E483D, E495D, E511D, E355D.
Identifiers: ClinVar variation 1482001 (VCV001482001.6), dbSNP rs2132058670, ClinGen allele CA374005901.
Genomic context (GRCh38, chr9:84,867,331, plus strand): 5'-TGACTCTGCCAGCCCACTCCATCACATCTCCAATGGGAGTAACACTCCATCTTCTTCGGA[A>T]GGTGGCCCAGATGCTGTCATTATTGGAATGACCAAGATCCCTGTCATTGAAAATCCCCAG-3'
Protein context (NP_006171.2, residues 501-521): SNGSNTPSSS[Glu511Asp]GGPDAVIIGM

ClinVar aggregate classification (germline): Uncertain significance (1 of 4 stars; one submission).

Submission:

Labcorp Genetics (formerly Invitae), Labcorp
Classification: Uncertain significance. Last evaluated: 2021-10-27. Review status: criteria provided, single submitter. Criteria: Invitae Variant Classification Sherloc (09022015). Collection method: clinical testing. Allele origin: germline.
Comment: In summary, the available evidence is currently insufficient to determine the role of this variant in disease. Therefore, it has been classified as a Variant of Uncertain Significance. Advanced modeling of protein sequence and biophysical properties (such as structural, functional, and spatial information, amino acid conservation, physicochemical variation, residue mobility, and thermodynamic stability) performed at Invitae indicates that this missense variant is expected to disrupt NTRK2 protein function. This variant has not been reported in the literature in individuals affected with NTRK2-related conditions. This variant is not present in population databases (gnomAD no frequency). This sequence change replaces glutamic acid, which is acidic and polar, with aspartic acid, which is acidic and polar, at codon 511 of the NTRK2 protein (p.Glu511Asp).